The following is an entry in ClinVar:

NM_007259.5(VPS45):c.1412A>G (p.His471Arg)

Gene: VPS45 (vacuolar protein sorting 45 homolog; plus strand). Cytogenetic location: 1q21.2.
Variant type: single nucleotide variant.
Coding change: c.1412A>G on transcript NM_007259.5 (MANE Select); coding-DNA position 1412, A replaced by G.
Protein change: p.His471Arg; replaces histidine 471 with arginine.
Molecular consequence: missense variant. On other transcripts: non-coding transcript variant (1).
Genome position (GRCh38, 1-based): chr1:150,093,567, A>G. VCF-style: chr1-150093567-A-G. GRCh37 (hg19) VCF-style: chr1-150065663-A-G.
Other names: c.1097A>G, p.His366Arg (NM_001279353.2); c.1304A>G, p.His435Arg (NM_001279354.2); short protein forms H471R, H366R, H435R.
Identifiers: ClinVar variation 1469181 (VCV001469181.5), dbSNP rs782441436, ClinGen allele CA1073403.
Genomic context (GRCh38, chr1:150,093,567, plus strand): 5'-ACCATTTTCCCCTGTTTTAGGGAGTAGAAAATGTATATACACAGCATCAACCTTTCCTAC[A>G]TGAAACCCTGGATCATCTCATCAAAGGAAGGCTTAAGGAAAACCTATATCCTTATTTAGG-3'
Protein context (NP_009190.2, residues 461-481): NVYTQHQPFL[His471Arg]ETLDHLIKGR

ClinVar aggregate classification (germline): Uncertain significance (1 of 4 stars; one submission).

Conditions:
Congenital neutropenia-myelofibrosis-nephromegaly syndrome. Also called: Severe congenital neutropenia 5, autosomal recessive. Identifiers: Orphanet 369852, MedGen C3809031, MONDO:0014118, OMIM 615285.

Allele frequency attached by ClinVar (database versions not stated): ExAC 0.00001.
gnomAD v4.1: 9 of 1,613,940 alleles (0.00056%); highest among the groups gnomAD compares: South Asian, 0.0022%; no homozygotes.

Submission:

Labcorp Genetics (formerly Invitae), Labcorp
Classification: Uncertain significance for Congenital neutropenia-myelofibrosis-nephromegaly syndrome. Last evaluated: 2021-09-01. Review status: criteria provided, single submitter. Criteria: Invitae Variant Classification Sherloc (09022015). Collection method: clinical testing. Allele origin: germline.
Comment: This sequence change replaces histidine with arginine at codon 471 of the VPS45 protein (p.His471Arg). The histidine residue is weakly conserved and there is a small physicochemical difference between histidine and arginine. This variant is present in population databases (rs782441436, ExAC 0.006%). This variant has not been reported in the literature in individuals affected with VPS45-related conditions. Algorithms developed to predict the effect of missense changes on protein structure and function (SIFT, PolyPhen-2, Align-GVGD) all suggest that this variant is likely to be tolerated. In summary, the available evidence is currently insufficient to determine the role of this variant in disease. Therefore, it has been classified as a Variant of Uncertain Significance.